The following is an entry in ClinVar:

ClinVar aggregate classification (germline): Pathogenic (1 of 4 stars; one submission).

Allele frequency attached by ClinVar (database versions not stated): gnomAD exomes 0.00001.
gnomAD v4.1: 3 of 1,614,130 alleles (0.00019%); highest among the groups gnomAD compares: Non-Finnish European, 0.00025%; no homozygotes.

Submission:

Labcorp Genetics (formerly Invitae), Labcorp
Classification: Pathogenic. Last evaluated: 2025-04-13. Review status: criteria provided, single submitter. Criteria: Invitae Variant Classification Sherloc (09022015). Collection method: clinical testing. Allele origin: germline.
Comment: This sequence change creates a premature translational stop signal (p.Arg386*) in the C3 gene. It is expected to result in an absent or disrupted protein product. Loss-of-function variants in C3 are known to be pathogenic (PMID: 12462331, 14639503, 21501302). This variant is not present in population databases (gnomAD no frequency). This variant has not been reported in the literature in individuals affected with C3-related conditions. ClinVar contains an entry for this variant (Variation ID: 2853975). For these reasons, this variant has been classified as Pathogenic.

Literature cited by the submitters: PubMed 12462331; PubMed 14639503; PubMed 21501302.

NM_000064.4(C3):c.1156C>T (p.Arg386Ter)

Gene: C3 (complement C3; minus strand). Cytogenetic location: 19p13.3.
Variant type: single nucleotide variant.
Coding change: c.1156C>T on transcript NM_000064.4 (MANE Select); coding-DNA position 1156, C replaced by T.
Protein change: p.Arg386Ter; replaces arginine 386 with a stop codon.
Molecular consequence: nonsense.
Genome position (GRCh38, 1-based): chr19:6,712,370, G>A on the plus strand (C>T on the coding strand, the complement: C3 is on the minus strand). VCF-style: chr19-6712370-G-A. GRCh37 (hg19) VCF-style: chr19-6712381-G-A.
Other names: short protein forms R386*.
Identifiers: ClinVar variation 2853975 (VCV002853975.3), dbSNP rs2512264048, ClinGen allele CA403641497.